The following is an entry in ClinVar:

NM_134261.3(RORA):c.616G>A (p.Gly206Arg)

Genes: RORA (RAR related orphan receptor A; minus strand), RORA-AS1 (RORA antisense RNA 1; plus strand). Cytogenetic location: 15q22.2.
Variant type: single nucleotide variant.
Coding change: c.616G>A on transcript NM_134261.3 (MANE Select); coding-DNA position 616, G replaced by A.
Protein change: p.Gly206Arg; replaces glycine 206 with arginine.
Molecular consequence: missense variant.
Genome position (GRCh38, 1-based): chr15:60,511,430, C>T on the plus strand (G>A on the coding strand, the complement: RORA is on the minus strand). VCF-style: chr15-60511430-C-T. GRCh37 (hg19) VCF-style: chr15-60803629-C-T.
Other names: c.691G>A, p.Gly231Arg (NM_002943.4); c.715G>A, p.Gly239Arg (NM_134260.3); c.451G>A, p.Gly151Arg (NM_134262.3); short protein forms G151R, G206R, G231R, G239R.
Identifiers: ClinVar variation 2645391 (VCV002645391.26), dbSNP rs760939030, ClinGen allele CA7593673.

ClinVar aggregate classification (germline): Conflicting classifications of pathogenicity. Review status: criteria provided, conflicting classifications (1 of 4 stars). 2 submissions from 2 submitters: Uncertain significance (1); Likely benign (1). Last evaluated 2023-08-01.

Allele frequency attached by ClinVar (database versions not stated): gnomAD exomes 0.00001; ExAC 0.00002.

Submissions (2):

CeGaT Center for Human Genetics Tuebingen
Classification: Uncertain significance. Last evaluated: 2023-08-01. Review status: criteria provided, single submitter. Criteria: CeGaT Center For Human Genetics Tuebingen Variant Classification Criteria Version 2. Collection method: clinical testing. Allele origin: germline. Affected: yes. Observed: 1 variant allele.
Comment: RORA: PM2, PP3

Centre of Medical Genetics, University Hospital Muenster
Classification: Likely benign. Last evaluated: 2023-01-25. Review status: criteria provided, single submitter. Criteria: ACMG Guidelines, 2015. Collection method: clinical testing. Allele origin: unknown. Affected: yes. Observed: 1 variant allele, 1 heterozygote.
Comment: ACMG categories: PM2,PP3,BS2,BS4